The following is an entry in ClinVar:

ClinVar aggregate classification (germline): Uncertain significance (1 of 4 stars; one submission).

Conditions:
Short-rib thoracic dysplasia 6 with or without polydactyly (SRTD6). Also called: SHORT-RIB THORACIC DYSPLASIA 6 WITH POLYDACTYLY; SHORT-RIB THORACIC DYSPLASIA 6 WITHOUT POLYDACTYLY; POLYDACTYLY WITH NEONATAL CHONDRODYSTROPHY, TYPE II; SHORT RIB-POLYDACTYLY SYNDROME, TYPE IIA; Majewski Syndrome. Identifiers: MedGen C0024507, MONDO:0009894, OMIM 263520.

Submission:

Labcorp Genetics (formerly Invitae), Labcorp
Classification: Uncertain significance for Short-rib thoracic dysplasia 6 with or without polydactyly. Last evaluated: 2023-06-11. Review status: criteria provided, single submitter. Criteria: Invitae Variant Classification Sherloc (09022015). Collection method: clinical testing. Allele origin: germline.
Comment: In summary, the available evidence is currently insufficient to determine the role of this variant in disease. Therefore, it has been classified as a Variant of Uncertain Significance. Experimental studies and prediction algorithms are not available or were not evaluated, and the functional significance of this variant is currently unknown. This variant has not been reported in the literature in individuals affected with NEK1-related conditions. This variant is present in population databases (no rsID available, gnomAD 0.007%). This variant, c.3387_3389del, results in the deletion of 1 amino acid(s) of the NEK1 protein (p.Glu1130del), but otherwise preserves the integrity of the reading frame.

NM_001199397.3(NEK1):c.3465AGA[2] (p.Glu1158del)

Gene: NEK1 (NIMA related kinase 1; minus strand). Cytogenetic location: 4q33.
Variant type: Microsatellite.
Coding change: c.3465AGA[2] on transcript NM_001199397.3 (MANE Select); two copies in a row of the 3-base unit AGA starting at c.3465; the reference has three copies in a row; one copy, 3 bases deleted.
Protein change: p.Glu1158del; deletes glutamic acid 1158.
Molecular consequence: inframe deletion. On other transcripts: non-coding transcript variant (1).
Genome position (GRCh38, 1-based): chr4:169,401,762-169,401,764, TCT deleted on the plus strand (AGA on the coding strand, the reverse complement: NEK1 is on the minus strand); deleting any 3 consecutive bases within chr4:169,401,762-169,401,772 gives the same sequence; the position shown is the placement nearest the transcript's 3' end. VCF-style (leftmost placement, unchanged base first): chr4-169401761-CTCT-C. GRCh37 (hg19) VCF-style: chr4-170322912-CTCT-C.
Other names: c.3333AGA[2], p.Glu1114del (NM_001199398.3); c.3174AGA[2], p.Glu1061del (NM_001199399.3); c.3249AGA[2], p.Glu1086del (NM_001199400.3); c.3465AGA[2], p.Glu1158del (NM_001374418.1); c.3381AGA[2], p.Glu1130del (NM_001374419.1, NM_012224.4); c.3330AGA[2], p.Glu1113del (NM_001374420.1); c.2982AGA[2], p.Glu997del (NM_001374421.1); short protein forms E1113del, E1114del, E1158del, E1061del, E1086del, E1130del, E997del.
Identifiers: ClinVar variation 2856417 (VCV002856417.3), dbSNP rs1374604710, ClinGen allele CA556453547.